The following is an entry in ClinVar:

NM_006767.4(LZTR1):c.893T>A (p.Val298Glu)

Gene: LZTR1 (leucine zipper like post translational regulator 1; plus strand). Cytogenetic location: 22q11.21.
Variant type: single nucleotide variant.
Coding change: c.893T>A on transcript NM_006767.4 (MANE Select); coding-DNA position 893, T replaced by A.
Protein change: p.Val298Glu; replaces valine 298 with glutamic acid.
Molecular consequence: missense variant.
Genome position (GRCh38, 1-based): chr22:20,991,729, T>A. VCF-style: chr22-20991729-T-A. GRCh37 (hg19) VCF-style: chr22-21346018-T-A.
Other names: short protein forms V298E.
Identifiers: ClinVar variation 4615626 (VCV004615626.1).

ClinVar aggregate classification (germline): Uncertain significance (1 of 4 stars; one submission).

Conditions:
Cardiovascular phenotype. Identifiers: MedGen CN230736.
Hereditary cancer-predisposing syndrome. Also called: Neoplastic Syndromes, Hereditary; Tumor predisposition; Hereditary Cancer Syndrome; Hereditary neoplastic syndrome. Identifiers: Orphanet 140162, MedGen C0027672, MeSH D009386, MONDO:0015356.

Submission:

Ambry Genetics
Classification: Uncertain significance for Cardiovascular phenotype; Hereditary cancer-predisposing syndrome. Last evaluated: 2025-10-09. Review status: criteria provided, single submitter. Criteria: Ambry Variant Classification Scheme 2023. Collection method: clinical testing. Allele origin: germline.
Comment: The p.V298E variant (also known as c.893T>A), located in coding exon 9 of the LZTR1 gene, results from a T to A substitution at nucleotide position 893. The valine at codon 298 is replaced by glutamic acid, an amino acid with dissimilar properties. This amino acid position is conserved. In addition, this alteration is predicted to be deleterious by in silico analysis. Based on the available evidence, the clinical significance of this variant remains unclear.